The following is an entry in ClinVar:

ClinVar aggregate classification (germline): Pathogenic (1 of 4 stars; one submission).

Conditions:
Tuberous sclerosis 1 (TSC1). Identifiers: Orphanet 805, MedGen C1854465, MONDO:0008612, OMIM 191100.

Submission:

Labcorp Genetics (formerly Invitae), Labcorp
Classification: Pathogenic for Tuberous sclerosis 1. Last evaluated: 2022-02-10. Review status: criteria provided, single submitter. Criteria: Invitae Variant Classification Sherloc (09022015). Collection method: clinical testing. Allele origin: germline.
Comment: For these reasons, this variant has been classified as Pathogenic. ClinVar contains an entry for this variant (Variation ID: 1073148). This variant has not been reported in the literature in individuals affected with TSC1-related conditions. This variant is not present in population databases (gnomAD no frequency). This sequence change creates a premature translational stop signal (p.Arg689Profs*17) in the TSC1 gene. It is expected to result in an absent or disrupted protein product. Loss-of-function variants in TSC1 are known to be pathogenic (PMID: 10227394, 17304050).

Literature cited by the submitters: PubMed 10227394; PubMed 17304050.

NM_000368.5(TSC1):c.2065dup (p.Arg689fs)

Gene: TSC1 (TSC complex subunit 1; minus strand). Cytogenetic location: 9q34.13.
Variant type: Duplication.
Coding change: c.2065dup on transcript NM_000368.5 (MANE Select); coding-DNA position 2065, one base duplicated (C; older notation c.2065dupC).
Protein change: p.Arg689fs; shifts the reading frame from arginine 689.
Molecular consequence: frameshift variant.
Genome position (GRCh38, 1-based): chr9:132,903,794, G duplicated on the plus strand (C on the coding strand, the reverse complement: TSC1 is on the minus strand); the first of 2 consecutive G bases (chr9:132,903,794-132,903,795); duplicating either gives the same sequence. VCF-style (leftmost placement, unchanged base first): chr9-132903793-C-CG. GRCh37 (hg19) VCF-style: chr9-135779180-C-CG.
Other names: c.2062dup, p.Arg688fs (NM_001162426.2); c.1912dup, p.Arg638fs (NM_001162427.2); c.1702dup, p.Arg568fs (NM_001362177.2); short protein forms R568fs, R638fs, R688fs, R689fs.
Identifiers: ClinVar variation 1073148 (VCV001073148.7), dbSNP rs2131773288, ClinGen allele CA2499219706.